The following is an entry in ClinVar:

ClinVar aggregate classification (germline): Pathogenic (1 of 4 stars; one submission).

Conditions:
Hereditary cancer-predisposing syndrome. Also called: Neoplastic Syndromes, Hereditary; Tumor predisposition; Hereditary Cancer Syndrome; Hereditary neoplastic syndrome. Identifiers: Orphanet 140162, MedGen C0027672, MeSH D009386, MONDO:0015356.

Submission:

Ambry Genetics
Classification: Pathogenic for Hereditary cancer-predisposing syndrome. Last evaluated: 2019-03-26. Review status: criteria provided, single submitter. Criteria: Ambry Variant Classification Scheme 2023. Collection method: clinical testing. Allele origin: germline.
Comment: The c.3487_3488insT pathogenic mutation, located in coding exon 6 of the MSH6 gene, results from an insertion of one nucleotide at position 3487, causing a translational frameshift with a predicted alternate stop codon (p.E1163Vfs*9). This alteration is expected to result in loss of function by premature protein truncation or nonsense-mediated mRNA decay. As such, this alteration is interpreted as a disease-causing mutation.

NM_000179.3(MSH6):c.3487_3488insT (p.Glu1163fs)

Gene: MSH6 (mutS homolog 6; plus strand). Cytogenetic location: 2p16.3.
Variant type: Insertion.
Coding change: c.3487_3488insT on transcript NM_000179.3 (MANE Select); coding-DNA positions 3487 to 3488, T inserted.
Protein change: p.Glu1163fs; shifts the reading frame from glutamic acid 1163.
Molecular consequence: frameshift variant.
Genome position: GRCh38 VCF-style: chr2-47804958-G-GT. GRCh37 (hg19) VCF-style: chr2-48032097-G-GT.
Other names: c.3097_3098insT, p.Glu1033fs (NM_001281492.2); c.2581_2582insT, p.Glu861fs (NM_001281493.2, NM_001281494.2); c.3583_3584insT, p.Glu1195Valfs (NM_001406795.1, NM_001406802.1); c.3487_3488insT, p.Glu1163Valfs (NM_001406796.1, NM_001406800.1, NM_001406808.1 and 1 more transcripts); c.3190_3191insT, p.Glu1064Valfs (NM_001406797.1, NM_001406801.1, NM_001406805.1 and 10 more transcripts); c.3313_3314insT, p.Glu1105Valfs (NM_001406798.1); c.2962_2963insT, p.Glu988Valfs (NM_001406799.1, NM_001406806.1, NM_001406807.1); c.2623_2624insT, p.Glu875Valfs (NM_001406803.1); and 8 more; short protein forms E1033fs, E1163fs, E861fs.
Identifiers: ClinVar variation 1731879 (VCV001731879.2), dbSNP rs2530801560, ClinGen allele CA2580067162.